The following is an entry in ClinVar:

ClinVar aggregate classification (germline): not provided (0 of 4 stars; one submission).

Allele frequency attached by ClinVar (database versions not stated): TOPMed 0.00005.
gnomAD v4.1: 9 of 152,134 alleles (0.0059%); highest among the groups gnomAD compares: Non-Finnish European, 0.01%; no homozygotes.

Submission:

Human Evolutionary Genetics, Institut Pasteur
No classification provided. Review status: no classification provided. Collection method: not provided. Allele origin: germline.
ClinVar note: Converted during submission from untested to not provided.

NM_033004.4(NLRP1):c.271+186G>A

Gene: NLRP1 (NLR family pyrin domain containing 1; minus strand). Cytogenetic location: 17p13.2.
Variant type: single nucleotide variant.
Coding change: c.271+186G>A on transcript NM_033004.4 (MANE Select); 186 bases into the intron after coding-DNA position 271, G replaced by A.
Molecular consequence: intron variant.
Genome position (GRCh38, 1-based): chr17:5,583,501, C>T on the plus strand (G>A on the coding strand, the complement: NLRP1 is on the minus strand). VCF-style: chr17-5583501-C-T. GRCh37 (hg19) VCF-style: chr17-5486821-C-T.
Other names: c.271+186G>A (NM_001033053.3, NM_033007.4, NM_033006.4 and 1 more transcripts).
Identifiers: ClinVar variation 103019 (VCV000103019.2), dbSNP rs199476207, ClinGen allele CA018461.
Genomic context (GRCh38, chr17:5,583,501, plus strand): 5'-CGAGTACCGGGAATGCACTTGAATAGAAGAGGGTGTGGGGCTCTGAGGTGCAGCAAGGGC[C>T]CCCCCAGCAAGCCTCCTGGCTCCAGCATAGTCTGGGGCCTGGATCCCCCTTTGAGAGGGC-3'